The following is an entry in ClinVar:

ClinVar aggregate classification (germline): Uncertain significance (1 of 4 stars; one submission).

Allele frequency attached by ClinVar (database versions not stated): gnomAD 0.00001.
gnomAD v4.1: 1 of 1,608,600 alleles (0.000062%); highest among the groups gnomAD compares: Admixed American, 0.0017%; no homozygotes.

Submission:

GeneDx
Classification: Uncertain significance. Last evaluated: 2022-03-18. Review status: criteria provided, single submitter. Criteria: GeneDx Variant Classification Process June 2021. Collection method: clinical testing. Allele origin: germline. Affected: yes.
Comment: Not observed at significant frequency in large population cohorts (gnomAD); In silico analysis supports that this missense variant has a deleterious effect on protein structure/function; Has not been previously published as pathogenic or benign to our knowledge

NM_006593.4(TBR1):c.1875C>G (p.Asp625Glu)

Gene: TBR1 (T-box brain transcription factor 1; plus strand). Cytogenetic location: 2q24.2.
Variant type: single nucleotide variant.
Coding change: c.1875C>G on transcript NM_006593.4 (MANE Select); coding-DNA position 1875, C replaced by G.
Protein change: p.Asp625Glu; replaces aspartic acid 625 with glutamic acid.
Molecular consequence: missense variant.
Genome position (GRCh38, 1-based): chr2:161,424,053, C>G. VCF-style: chr2-161424053-C-G. GRCh37 (hg19) VCF-style: chr2-162280564-C-G.
Other names: short protein forms D625E.
Identifiers: ClinVar variation 1706344 (VCV001706344.2), dbSNP rs1684281017, ClinGen allele CA349214657.